The following is an entry in ClinVar:

ClinVar aggregate classification (germline): Pathogenic (1 of 4 stars; one submission).

Conditions:
Neuronal ceroid lipofuscinosis 7 (CLN7). Also called: MFSD8-Related Neuronal Ceroid-Lipofuscinosis. Identifiers: Orphanet 168491, Orphanet 228366, MedGen C1838571, MONDO:0012588, OMIM 610951.

Submission:

Labcorp Genetics (formerly Invitae), Labcorp
Classification: Pathogenic for Neuronal ceroid lipofuscinosis 7. Last evaluated: 2022-08-31. Review status: criteria provided, single submitter. Criteria: Invitae Variant Classification Sherloc (09022015). Collection method: clinical testing. Allele origin: germline.
Comment: For these reasons, this variant has been classified as Pathogenic. This variant has not been reported in the literature in individuals affected with MFSD8-related conditions. This variant is a gross deletion of the genomic region encompassing exon(s) 2-5 of the MFSD8 gene, which includes the initiator codon. This deletion extends beyond the assayed region for this gene and therefore may encompass additional genes. It is expected to result in an absent or disrupted protein product. Loss-of-function variants in MFSD8 are known to be pathogenic (PMID: 19177532, 25227500, 28586915).

Literature cited by the submitters: PubMed 19177532; PubMed 25227500; PubMed 28586915.

NC_000004.11:g.(?_128864897)_(128886298_?)del

Gene: MFSD8 (major facilitator superfamily domain containing 8; minus strand). Cytogenetic location: 4q28.2.
Variant type: Deletion.
Identifiers: ClinVar variation 1458681 (VCV001458681.5).